The following is an entry in ClinVar:

ClinVar aggregate classification (germline): Uncertain significance (1 of 4 stars; one submission).

Conditions:
Cardiovascular phenotype. Identifiers: MedGen CN230736.

Submission:

Ambry Genetics
Classification: Uncertain significance for Cardiovascular phenotype. Last evaluated: 2025-12-19. Review status: criteria provided, single submitter. Criteria: Ambry Variant Classification Scheme 2023. Collection method: clinical testing. Allele origin: germline.
Comment: The p.R187G variant (also known as c.559C>G), located in coding exon 1 of the DOLK gene, results from a C to G substitution at nucleotide position 559. The arginine at codon 187 is replaced by glycine, an amino acid with dissimilar properties. This amino acid position is conserved. In addition, this alteration is predicted to be deleterious by in silico analysis. Based on the available evidence, the clinical significance of this variant remains unclear.

NM_014908.4(DOLK):c.559C>G (p.Arg187Gly)

Gene: DOLK (dolichol kinase; minus strand). Cytogenetic location: 9q34.11.
Variant type: single nucleotide variant.
Coding change: c.559C>G on transcript NM_014908.4 (MANE Select); coding-DNA position 559, C replaced by G.
Protein change: p.Arg187Gly; replaces arginine 187 with glycine.
Molecular consequence: missense variant.
Genome position (GRCh38, 1-based): chr9:128,946,745, G>C on the plus strand (C>G on the coding strand, the complement: DOLK is on the minus strand). VCF-style: chr9-128946745-G-C. GRCh37 (hg19) VCF-style: chr9-131709024-G-C.
Other names: short protein forms R187G.
Identifiers: ClinVar variation 4841810 (VCV004841810.1).